The following is an entry in ClinVar:

ClinVar aggregate classification (germline): Uncertain significance. Review status: criteria provided, multiple submitters, no conflicts (2 of 4 stars). 2 submissions from 2 submitters: Uncertain significance (2). Last evaluated 2024-10-03.

Conditions:
Rhabdoid tumor predisposition syndrome 2 (RTPS2). Identifiers: Orphanet 231108, Orphanet 69077, MedGen C2750074, MONDO:0013224, OMIM 613325.
Hereditary cancer-predisposing syndrome. Also called: Neoplastic Syndromes, Hereditary; Tumor predisposition; Hereditary Cancer Syndrome; Hereditary neoplastic syndrome. Identifiers: Orphanet 140162, MedGen C0027672, MeSH D009386, MONDO:0015356.

gnomAD v4.1: 1 of 1,614,098 alleles (0.000062%); highest among the groups gnomAD compares: Non-Finnish European, 0.000085%; no homozygotes.

Submissions (2):

Labcorp Genetics (formerly Invitae), Labcorp
Classification: Uncertain significance for Rhabdoid tumor predisposition syndrome 2. Last evaluated: 2024-10-03. Review status: criteria provided, single submitter. Criteria: Invitae Variant Classification Sherloc (09022015). Collection method: clinical testing. Allele origin: germline.
Comment: This sequence change replaces lysine, which is basic and polar, with threonine, which is neutral and polar, at codon 581 of the SMARCA4 protein (p.Lys581Thr). This variant is not present in population databases (gnomAD no frequency). This variant has not been reported in the literature in individuals affected with SMARCA4-related conditions. ClinVar contains an entry for this variant (Variation ID: 819954). Invitae Evidence Modeling of protein sequence and biophysical properties (such as structural, functional, and spatial information, amino acid conservation, physicochemical variation, residue mobility, and thermodynamic stability) has been performed for this missense variant. However, the output from this modeling did not meet the statistical confidence thresholds required to predict the impact of this variant on SMARCA4 protein function. In summary, the available evidence is currently insufficient to determine the role of this variant in disease. Therefore, it has been classified as a Variant of Uncertain Significance.

Ambry Genetics
Classification: Uncertain significance for Hereditary cancer-predisposing syndrome. Last evaluated: 2019-08-08. Review status: criteria provided, single submitter. Criteria: Ambry Variant Classification Scheme 2023. Collection method: clinical testing. Allele origin: germline.
Comment: The p.K581T variant (also known as c.1742A>C), located in coding exon 9 of the SMARCA4 gene, results from an A to C substitution at nucleotide position 1742. The lysine at codon 581 is replaced by threonine, an amino acid with similar properties. This amino acid position is highly conserved in available vertebrate species. In addition, this alteration is predicted to be tolerated by in silico analysis. Since supporting evidence is limited at this time, the clinical significance of this alteration remains unclear.

NM_003072.5(SMARCA4):c.1742A>C (p.Lys581Thr)

Gene: SMARCA4 (SWI/SNF related BAF chromatin remodeling complex subunit ATPase 4; plus strand). Cytogenetic location: 19p13.2.
Variant type: single nucleotide variant.
Coding change: c.1742A>C on transcript NM_003072.5 (MANE Select); coding-DNA position 1742, A replaced by C.
Protein change: p.Lys581Thr; replaces lysine 581 with threonine.
Molecular consequence: missense variant. On other transcripts: non-coding transcript variant (1).
Genome position (GRCh38, 1-based): chr19:10,996,361, A>C. VCF-style: chr19-10996361-A-C. GRCh37 (hg19) VCF-style: chr19-11107037-A-C.
Other names: c.1742A>C, p.Lys581Thr (NM_001374457.1, NM_001128844.3, NM_001128845.2 and 4 more transcripts); short protein forms K581T.
Identifiers: ClinVar variation 819954 (VCV000819954.6), dbSNP rs765139835, ClinGen allele CA404064575.